The following is an entry in ClinVar:

ClinVar aggregate classification (germline): Likely benign (1 of 4 stars; one submission).

Conditions:
RYK-related disorder. Also called: RYK-related condition.

Submission:

PreventionGenetics, part of Exact Sciences
Classification: Likely benign for RYK-related condition. Last evaluated: 2020-04-01. Review status: criteria provided, single submitter. Criteria: ACMG Guidelines, 2015. Collection method: clinical testing. Allele origin: germline.
Comment: This variant is classified as likely benign based on ACMG/AMP sequence variant interpretation guidelines (Richards et al. 2015 PMID: 25741868, with internal and published modifications).

NM_002958.4(RYK):c.939T>C (p.Leu313=)

Gene: RYK (receptor like tyrosine kinase; minus strand). Cytogenetic location: 3q22.2.
Variant type: single nucleotide variant.
Coding change: c.939T>C on transcript NM_002958.4 (MANE Select); coding-DNA position 939, T replaced by C.
Protein change: p.Leu313=; no amino-acid change (leucine 313 retained).
Molecular consequence: synonymous variant.
Genome position (GRCh38, 1-based): chr3:134,191,925, A>G on the plus strand (T>C on the coding strand, the complement: RYK is on the minus strand). VCF-style: chr3-134191925-A-G. GRCh37 (hg19) VCF-style: chr3-133910769-A-G.
Other names: c.948T>C, p.Leu316= (NM_001005861.3).
Identifiers: ClinVar variation 3055004 (VCV003055004.1), dbSNP rs61732795, ClinGen allele CA435944675.
Genomic context (GRCh38, chr3:134,191,925, plus strand): 5'-TTTTAGAGTTATCCTCTCTCTGGATATTGCTATATCCTTCACCTTGCCTTTGGCCTCCAA[A>G]AGAGTGACACTTCTCAAGTCGTTCTTCTCTATCCGCAAGGTAGGATAACCTAAGGAGCCA-3'
Protein context (NP_002949.2, residues 303-323): IEKNDLRSVT[Leu313=]LEAKGKVKDI